The following is an entry in ClinVar:

ClinVar aggregate classification (germline): Uncertain significance (1 of 4 stars; one submission).

Submission:

GeneDx
Classification: Uncertain significance. Last evaluated: 2024-04-25. Review status: criteria provided, single submitter. Criteria: GeneDx Variant Classification Process June 2021. Collection method: clinical testing. Allele origin: germline. Affected: yes.
Comment: Not observed at significant frequency in large population cohorts (gnomAD); In silico analysis supports that this missense variant has a deleterious effect on protein structure/function; Has not been previously published as pathogenic or benign to our knowledge

NM_014491.4(FOXP2):c.942T>A (p.His314Gln)

Gene: FOXP2 (forkhead box P2; plus strand). Cytogenetic location: 7q31.1.
Variant type: single nucleotide variant.
Coding change: c.942T>A on transcript NM_014491.4 (MANE Select); coding-DNA position 942, T replaced by A.
Protein change: p.His314Gln; replaces histidine 314 with glutamine.
Molecular consequence: missense variant. On other transcripts: non-coding transcript variant (2).
Genome position (GRCh38, 1-based): chr7:114,642,576, T>A. VCF-style: chr7-114642576-T-A. GRCh37 (hg19) VCF-style: chr7-114282631-T-A.
Other names: c.939T>A, p.His313Gln (NM_001172766.3); c.1017T>A, p.His339Gln (NM_001172767.2, NM_148898.4); c.942T>A, p.His314Gln (NM_148899.3); c.993T>A, p.His331Gln (NM_148900.4); short protein forms H313Q, H314Q, H331Q, H339Q.
Identifiers: ClinVar variation 3369318 (VCV003369318.1).